The following is an entry in ClinVar:

ClinVar aggregate classification (germline): Likely benign. Review status: criteria provided, multiple submitters, no conflicts (2 of 4 stars). 6 submissions from 6 submitters: Likely benign (5). 1 of the submissions does not count toward it. Last evaluated 2026-09-01.

Conditions:
TECPR2-related disorder. Also called: TECPR2-related condition.
Hereditary spastic paraplegia. Also called: Familial spastic paraparesis. Identifiers: Orphanet 685, MedGen C0037773, MONDO:0019064. Disease mechanism: loss of function.
Hereditary spastic paraplegia 49 (HSAN9). Also called: NEUROPATHY, HEREDITARY SENSORY AND AUTONOMIC, TYPE IX, WITH DEVELOPMENTAL DELAY; Spastic paraplegia 49, autosomal recessive; TECPR2-Related Hereditary Sensory and Autonomic Neuropathy with Intellectual Disability. Identifiers: Orphanet 320385, MedGen C5190860, MONDO:0014016, OMIM 615031.

Allele frequency attached by ClinVar (database versions not stated): 1000 Genomes Project 0.00040; 1000 Genomes Project 30x 0.00047; ESP Exome Variant Server 0.00079; TOPMed 0.00110; gnomAD 0.00143.
gnomAD v4.1: 2,307 of 1,597,186 alleles (0.14%); highest among the groups gnomAD compares: Non-Finnish European, 0.18%; 4 homozygotes.

Submissions (7):

CeGaT Center for Human Genetics Tuebingen
Classification: Likely benign. Last evaluated: 2026-09-01. Review status: criteria provided, single submitter. Criteria: CeGaT Center For Human Genetics Tuebingen Variant Classification Criteria Version 2. Collection method: clinical testing. Allele origin: germline. Affected: yes. Observed: 6 variant alleles.
Comment: TECPR2: BP4

Labcorp Genetics (formerly Invitae), Labcorp
Classification: Likely benign for Hereditary spastic paraplegia 49. Last evaluated: 2026-01-28. Review status: criteria provided, single submitter. Criteria: Invitae Variant Classification Sherloc (09022015). Collection method: clinical testing. Allele origin: germline.

Women's Health and Genetics/Laboratory Corporation of America, LabCorp
Classification: Likely benign. Last evaluated: 2025-06-03. Review status: criteria provided, single submitter. Criteria: LabCorp Variant Classification Summary - May 2015. Collection method: clinical testing. Allele origin: germline.

Fulgent Genetics
Classification: Likely benign for Hereditary spastic paraplegia 49. Last evaluated: 2021-08-20. Review status: criteria provided, single submitter. Criteria: ACMG Guidelines, 2015. Collection method: clinical testing. Allele origin: unknown.

Genome Diagnostics Laboratory, The Hospital for Sick Children
Classification: Likely benign for Hereditary spastic paraplegia. Last evaluated: 2021-08-19. Review status: criteria provided, single submitter. Criteria: ACMG Guidelines, 2015. Collection method: clinical testing. Allele origin: germline. Affected: yes.

PreventionGenetics, part of Exact Sciences
Classification: Likely benign for TECPR2-related condition. Last evaluated: 2019-07-23. Review status: no assertion criteria provided. Collection method: clinical testing. Allele origin: germline. Not counted in ClinVar's aggregate classification.
Comment: This variant is classified as likely benign based on ACMG/AMP sequence variant interpretation guidelines (Richards et al. 2015 PMID: 25741868, with internal and published modifications).

Dr. Peter K. Rogan Lab, Western University
No classification provided (evidence only). Condition: Familial cancer of breast. Review status: no classification provided. Collection method: in vitro. Allele origin: not applicable. Functional consequence: retained intron. Not counted in ClinVar's aggregate classification.

NM_014844.5(TECPR2):c.4081+8C>A

Gene: TECPR2 (tectonin beta-propeller repeat containing 2; plus strand). Cytogenetic location: 14q32.31.
Variant type: single nucleotide variant.
Coding change: c.4081+8C>A on transcript NM_014844.5 (MANE Select); 8 bases into the intron after coding-DNA position 4081, C replaced by A.
Molecular consequence: intron variant.
Genome position (GRCh38, 1-based): chr14:102,497,727, C>A. VCF-style: chr14-102497727-C-A. GRCh37 (hg19) VCF-style: chr14-102964064-C-A.
Identifiers: ClinVar variation 540304 (VCV000540304.59), dbSNP rs199845217, ClinGen allele CA7358455.
Genomic context (GRCh38, chr14:102,497,727, plus strand): 5'-CCCCGCCGGGGACTACTGGAAGAAAATTCCCGGCAGCGTGTCGTGTTTCACAGGCAGGTG[C>A]CCGGGGCCAGTGGGCTTAAGGCCCCTTGGGGTTCCCAGGGCTCCTGTGGACGATGTCGGG-3'